The following is an entry in ClinVar:

ClinVar aggregate classification (germline): Conflicting classifications of pathogenicity. Review status: criteria provided, conflicting classifications (1 of 4 stars). 3 submissions from 3 submitters: Uncertain significance (2); Benign (1). Last evaluated 2026-01-28.

Conditions:
Iodotyrosyl coupling defect (TDH3). Also called: HYPOTHYROIDISM, CONGENITAL, DUE TO DYSHORMONOGENESIS, 3; THYROID HORMONOGENESIS, GENETIC DEFECT IN, 3. Identifiers: Orphanet 95716, MedGen C0342194, MONDO:0010135, OMIM 274700.

Allele frequency attached by ClinVar (database versions not stated): gnomAD exomes 0.00029 and 0.00072; ExAC 0.00093; TOPMed 0.00315; gnomAD 0.00319 and 0.00330; ESP Exome Variant Server 0.00400; 1000 Genomes Project 30x 0.00515; 1000 Genomes Project 0.00519.
gnomAD v4.1: 929 of 1,614,114 alleles (0.058%); highest among the groups gnomAD compares: African/African-American, 1.1%; 3 homozygotes.

Submissions (3):

Labcorp Genetics (formerly Invitae), Labcorp
Classification: Benign. Last evaluated: 2026-01-28. Review status: criteria provided, single submitter. Criteria: Invitae Variant Classification Sherloc (09022015). Collection method: clinical testing. Allele origin: germline.

GeneDx
Classification: Uncertain significance. Last evaluated: 2019-10-01. Review status: criteria provided, single submitter. Criteria: GeneDx Variant Classification Process June 2021. Collection method: clinical testing. Allele origin: germline. Affected: yes.
Comment: In silico analysis, which includes protein predictors and evolutionary conservation, supports that this variant does not alter protein structure/function; Has not been previously published as pathogenic or benign to our knowledge

Illumina Laboratory Services, Illumina
Classification: Uncertain significance for Iodotyrosyl coupling defect. Last evaluated: 2018-01-12. Review status: criteria provided, single submitter. Criteria: ICSL Variant Classification Criteria 13 December 2019. Collection method: clinical testing. Allele origin: germline.

NM_003235.5(TG):c.4484T>C (p.Val1495Ala)

Gene: TG (thyroglobulin; plus strand). Cytogenetic location: 8q24.22.
Variant type: single nucleotide variant.
Coding change: c.4484T>C on transcript NM_003235.5 (MANE Select); coding-DNA position 4484, T replaced by C.
Protein change: p.Val1495Ala; replaces valine 1495 with alanine.
Molecular consequence: missense variant.
Genome position (GRCh38, 1-based): chr8:132,919,481, T>C. VCF-style: chr8-132919481-T-C. GRCh37 (hg19) VCF-style: chr8-133931726-T-C.
Other names: short protein forms V1495A.
Identifiers: ClinVar variation 785266 (VCV000785266.13), dbSNP rs61740825, ClinGen allele CA4884140.
Genomic context (GRCh38, chr8:132,919,481, plus strand): 5'-CTTGTCCTGTTGGATTCTACCAAGAACAGGCAGGGAGCTTGGCCTGTGTCCCATGTCCTG[T>C]GGGCAGAACGACCATTTCTGCTGGAGCTTTCAGCCAGACTCACTGTAAGTTCTGTGGAGT-3'
Protein context (NP_003226.4, residues 1485-1505): AGSLACVPCP[Val1495Ala]GRTTISAGAF